The following is an entry in ClinVar:

ClinVar aggregate classification (germline): Uncertain significance (1 of 4 stars; one submission).

Conditions:
Autosomal dominant nocturnal frontal lobe epilepsy 5. Also called: KCNT1-Related Epilepsy; CILIARY DYSKINESIA, PRIMARY, 28, WITHOUT SITUS INVERSUS; CILIARY DYSKINESIA, PRIMARY, 28, WITH SITUS INVERSUS; Epilepsy, nocturnal frontal lobe, 5. Identifiers: Orphanet 98784, MedGen C3554306, MONDO:0014002, OMIM 615005.
Developmental and epileptic encephalopathy, 14 (DEE14). Also called: Early infantile epileptic encephalopathy 14. Identifiers: Orphanet 293181, MedGen C3554195, MONDO:0013989, OMIM 614959.

Allele frequency attached by ClinVar (database versions not stated): gnomAD exomes below 0.00001 and 0.00001; gnomAD 0.00001.
gnomAD v4.1: 18 of 1,613,556 alleles (0.0011%); highest among the groups gnomAD compares: Non-Finnish European, 0.0014%; no homozygotes.

Submission:

Labcorp Genetics (formerly Invitae), Labcorp
Classification: Uncertain significance for Autosomal dominant nocturnal frontal lobe epilepsy 5; Developmental and epileptic encephalopathy, 14. Last evaluated: 2024-09-11. Review status: criteria provided, single submitter. Criteria: Invitae Variant Classification Sherloc (09022015). Collection method: clinical testing. Allele origin: germline.
Comment: This sequence change replaces tyrosine, which is neutral and polar, with cysteine, which is neutral and slightly polar, at codon 91 of the KCNT1 protein (p.Tyr91Cys). This variant is present in population databases (no rsID available, gnomAD 0.003%). This variant has not been reported in the literature in individuals affected with KCNT1-related conditions. ClinVar contains an entry for this variant (Variation ID: 1000213). Invitae Evidence Modeling of protein sequence and biophysical properties (such as structural, functional, and spatial information, amino acid conservation, physicochemical variation, residue mobility, and thermodynamic stability) indicates that this missense variant is not expected to disrupt KCNT1 protein function with a negative predictive value of 80%. In summary, the available evidence is currently insufficient to determine the role of this variant in disease. Therefore, it has been classified as a Variant of Uncertain Significance.

NM_020822.3(KCNT1):c.272A>G (p.Tyr91Cys)

Gene: KCNT1 (potassium sodium-activated channel subfamily T member 1; plus strand). Cytogenetic location: 9q34.3.
Variant type: single nucleotide variant.
Coding change: c.272A>G on transcript NM_020822.3 (MANE Select); coding-DNA position 272, A replaced by G.
Protein change: p.Tyr91Cys; replaces tyrosine 91 with cysteine.
Molecular consequence: missense variant.
Genome position (GRCh38, 1-based): chr9:135,750,115, A>G. VCF-style: chr9-135750115-A-G. GRCh37 (hg19) VCF-style: chr9-138641961-A-G.
Other names: c.128A>G, p.Tyr43Cys (NM_001272003.2); short protein forms Y43C, Y91C.
Identifiers: ClinVar variation 1000213 (VCV001000213.9), dbSNP rs1049280147, ClinGen allele CA201449374.